The following is an entry in ClinVar:

ClinVar aggregate classification (germline): Uncertain significance. Review status: criteria provided, multiple submitters, no conflicts (2 of 4 stars). 2 submissions from 2 submitters: Uncertain significance (2). Last evaluated 2024-09-07.

Submissions (2):

GeneDx
Classification: Uncertain significance. Last evaluated: 2024-09-07. Review status: criteria provided, single submitter. Criteria: GeneDx Variant Classification Process June 2021. Collection method: clinical testing. Allele origin: germline. Affected: yes.
Comment: Not observed at significant frequency in large population cohorts (gnomAD); In silico analysis supports that this missense variant has a deleterious effect on protein structure/function; Has not been previously published as pathogenic or benign to our knowledge

Blueprint Genetics
Classification: Uncertain significance. Last evaluated: 2022-07-07. Review status: criteria provided, single submitter. Criteria: ACMG Guidelines, 2015. Collection method: clinical testing. Allele origin: germline.

NM_001367873.1(SOX6):c.1834C>T (p.Arg612Cys)

Gene: SOX6 (SRY-box transcription factor 6; minus strand). Cytogenetic location: 11p15.2.
Variant type: single nucleotide variant.
Coding change: c.1834C>T on transcript NM_001367873.1 (MANE Select); coding-DNA position 1834, C replaced by T.
Protein change: p.Arg612Cys; replaces arginine 612 with cysteine.
Molecular consequence: missense variant.
Genome position (GRCh38, 1-based): chr11:15,989,129, G>A on the plus strand (C>T on the coding strand, the complement: SOX6 is on the minus strand). VCF-style: chr11-15989129-G-A. GRCh37 (hg19) VCF-style: chr11-16010675-G-A.
Other names: c.1753C>T, p.Arg585Cys (NM_001145811.2, NM_017508.3); c.1834C>T, p.Arg612Cys (NM_001145819.2); c.1711C>T, p.Arg571Cys (NM_001367872.1); c.1774C>T, p.Arg592Cys (NM_033326.3); short protein forms R571C, R585C, R592C, R612C.
Identifiers: ClinVar variation 3767603 (VCV003767603.2).
Genomic context (GRCh38, chr11:15,989,129, plus strand): 5'-CCCAAACCATGAATGCATTCATTGGTCGCTTAATGTGTGGCTCGCTGCTGGCACGGCCGC[G>A]GGCGTCCCTGTAGACTCGTGCTTCAGCCACAGTGGCACCTCCTGTTGGCCAACAATAATA-3'
Protein context (NP_001354802.1, residues 602-622): VAEARVYRDA[Arg612Cys]GRASSEPHIK